The following is an entry in ClinVar:

ClinVar aggregate classification (germline): Conflicting classifications of pathogenicity. Review status: criteria provided, conflicting classifications (1 of 4 stars). 3 submissions from 3 submitters: Uncertain significance (2); Likely benign (1). Last evaluated 2025-10-01.

Conditions:
Intellectual developmental disorder, autosomal dominant 1. Also called: Intellectual disability, autosomal dominant 1; MBD5 Haploinsufficiency. Identifiers: Orphanet 228402, MedGen C1969562, MONDO:0007974, OMIM 156200.

Allele frequency attached by ClinVar (database versions not stated): gnomAD exomes 0.00001; TOPMed below 0.00001.
gnomAD v4.1: 4 of 1,613,814 alleles (0.00025%); highest among the groups gnomAD compares: Non-Finnish European, 0.00034%; no homozygotes.

Submissions (3):

Labcorp Genetics (formerly Invitae), Labcorp
Classification: Uncertain significance for Intellectual developmental disorder, autosomal dominant 1. Last evaluated: 2025-10-01. Review status: criteria provided, single submitter. Criteria: Invitae Variant Classification Sherloc (09022015). Collection method: clinical testing. Allele origin: germline.
Comment: This sequence change replaces serine, which is neutral and polar, with leucine, which is neutral and non-polar, at codon 460 of the MBD5 protein (p.Ser460Leu). This variant is not present in population databases (gnomAD no frequency). This variant has not been reported in the literature in individuals affected with MBD5-related conditions. ClinVar contains an entry for this variant (Variation ID: 1359917). Invitae Evidence Modeling of protein sequence and biophysical properties (such as structural, functional, and spatial information, amino acid conservation, physicochemical variation, residue mobility, and thermodynamic stability) indicates that this missense variant is not expected to disrupt MBD5 protein function with a negative predictive value of 80%. In summary, the available evidence is currently insufficient to determine the role of this variant in disease. Therefore, it has been classified as a Variant of Uncertain Significance.

CeGaT Center for Human Genetics Tuebingen
Classification: Uncertain significance. Last evaluated: 2022-06-01. Review status: criteria provided, single submitter. Criteria: CeGaT Center For Human Genetics Tuebingen Variant Classification Criteria Version 2. Collection method: clinical testing. Allele origin: germline. Affected: yes. Observed: 1 variant allele.
Comment: MBD5: PM2

Laboratorio de Genetica e Diagnostico Molecular, Hospital Israelita Albert Einstein
Classification: Likely benign. Last evaluated: 2020-07-01. Review status: criteria provided, single submitter. Criteria: ACMG Guidelines, 2015. Collection method: clinical testing. Allele origin: germline. Affected: yes.
Comment: ACMG classification criteria: PM2, BP1, BP4

NM_001378120.1(MBD5):c.1379C>T (p.Ser460Leu)

Gene: MBD5 (methyl-CpG binding domain protein 5; plus strand). Cytogenetic location: 2q23.1.
Variant type: single nucleotide variant.
Coding change: c.1379C>T on transcript NM_001378120.1 (MANE Select); coding-DNA position 1379, C replaced by T.
Protein change: p.Ser460Leu; replaces serine 460 with leucine.
Molecular consequence: missense variant.
Genome position (GRCh38, 1-based): chr2:148,469,322, C>T. VCF-style: chr2-148469322-C-T. GRCh37 (hg19) VCF-style: chr2-149226891-C-T.
Other names: c.1379C>T, p.Ser460Leu (NM_018328.5); short protein forms S460L.
Identifiers: ClinVar variation 1359917 (VCV001359917.34), dbSNP rs878910680, ClinGen allele CA57578238.